The following is an entry in ClinVar:

NM_005199.5(CHRNG):c.469T>C (p.Phe157Leu)

Gene: CHRNG (cholinergic receptor nicotinic gamma subunit; plus strand). Cytogenetic location: 2q37.1.
Variant type: single nucleotide variant.
Coding change: c.469T>C on transcript NM_005199.5 (MANE Select); coding-DNA position 469, T replaced by C.
Protein change: p.Phe157Leu; replaces phenylalanine 157 with leucine.
Molecular consequence: missense variant.
Genome position (GRCh38, 1-based): chr2:232,541,492, T>C. VCF-style: chr2-232541492-T-C. GRCh37 (hg19) VCF-style: chr2-233406202-T-C.
Other names: short protein forms F157L.
Identifiers: ClinVar variation 4885321 (VCV004885321.2).

ClinVar aggregate classification (germline): Uncertain significance (1 of 4 stars; one submission).

gnomAD v4.1: 2 of 1,614,148 alleles (0.00012%); highest among the groups gnomAD compares: Admixed American, 0.0017%; no homozygotes.

Submission:

Dasa
Classification: Uncertain significance. Last evaluated: 2025-11-04. Review status: criteria provided, single submitter. Criteria: DASA Assertion Criteria. Collection method: clinical testing. Allele origin: germline.
Comment: NM_005199.5(CHRNG):c.469T>C (p.Phe157Leu) is a missense variant that results in the substitution of phenylalanine with leucine. This variant is rare in population databases. Computational prediction algorithms are consistent with a deleterious effect. The currently available literature and clinical evidence are not sufficient to establish a definitive association between this variant and the reported condition. Therefore, this variant is classified as a variant of uncertain significance.